The following is an entry in ClinVar:

NM_015450.3(POT1):c.695C>T (p.Ser232Phe)

Gene: POT1 (protection of telomeres 1; minus strand). Cytogenetic location: 7q31.33.
Variant type: single nucleotide variant.
Coding change: c.695C>T on transcript NM_015450.3 (MANE Select); coding-DNA position 695, C replaced by T.
Protein change: p.Ser232Phe; replaces serine 232 with phenylalanine.
Molecular consequence: missense variant. On other transcripts: non-coding transcript variant (3).
Genome position (GRCh38, 1-based): chr7:124,858,964, G>A on the plus strand (C>T on the coding strand, the complement: POT1 is on the minus strand). VCF-style: chr7-124858964-G-A. GRCh37 (hg19) VCF-style: chr7-124499018-G-A.
Other names: c.302C>T, p.Ser101Phe (NM_001042594.2); short protein forms S101F, S232F.
Identifiers: ClinVar variation 4862383 (VCV004862383.1).

ClinVar aggregate classification (germline): Uncertain significance (1 of 4 stars; one submission).

Conditions:
Hereditary cancer-predisposing syndrome. Also called: Neoplastic Syndromes, Hereditary; Tumor predisposition; Hereditary Cancer Syndrome; Hereditary neoplastic syndrome. Identifiers: Orphanet 140162, MedGen C0027672, MeSH D009386, MONDO:0015356.

Submission:

Ambry Genetics
Classification: Uncertain significance for Hereditary cancer-predisposing syndrome. Last evaluated: 2026-03-29. Review status: criteria provided, single submitter. Criteria: Ambry Variant Classification Scheme 2023. Collection method: clinical testing. Allele origin: germline.
Comment: The p.S232F variant (also known as c.695C>T), located in coding exon 5 of the POT1 gene, results from a C to T substitution at nucleotide position 695. The serine at codon 232 is replaced by phenylalanine, an amino acid with highly dissimilar properties. This amino acid position is conserved. In addition, this alteration is predicted to be tolerated by in silico analysis. Based on the available evidence, the clinical significance of this variant remains unclear.